The following is an entry in ClinVar:

ClinVar aggregate classification (germline): Pathogenic (1 of 4 stars; one submission).

Conditions:
Hereditary spastic paraplegia 15 (SPG15). Also called: SPASTIC PARAPLEGIA 15, AUTOSOMAL RECESSIVE; KJELLIN SYNDROME; SPASTIC PARAPLEGIA AND RETINAL DEGENERATION. Identifiers: Orphanet 100996, MedGen C1849128, MONDO:0010044, OMIM 270700.

Submission:

Myriad Genetics, Inc.
Classification: Pathogenic for Hereditary spastic paraplegia 15. Last evaluated: 2025-12-23. Review status: criteria provided, single submitter. Criteria: Myriad Autosomal Dominant, Autosomal Recessive and X-Linked Classification Criteria (2023). Collection method: clinical testing. Allele origin: unknown.
Comment: NM_015346.3(ZFYVE26):c.1139delT(L380Qfs*110) is expected to be pathogenic in the context of spastic paraplegia type 15. This variant is predicted to lead to an abnormal or absent protein product due to the creation of a premature termination codon in ZFYVE26, a gene where loss-of-function variants are known to be pathogenic. Please note: this variant was assessed in the context of healthy population screening.

NM_015346.4(ZFYVE26):c.1139del (p.Leu380fs)

Gene: ZFYVE26 (zinc finger FYVE-type containing 26; minus strand). Cytogenetic location: 14q24.1.
Variant type: Deletion.
Coding change: c.1139del on transcript NM_015346.4 (MANE Select); coding-DNA position 1139, one base deleted (T; older notation c.1139delT).
Protein change: p.Leu380fs; shifts the reading frame from leucine 380.
Molecular consequence: frameshift variant.
Genome position (GRCh38, 1-based): chr14:67,805,497, A deleted on the plus strand (T on the coding strand, the reverse complement: ZFYVE26 is on the minus strand). VCF-style (leftmost placement, unchanged base first): chr14-67805496-TA-T. GRCh37 (hg19) VCF-style: chr14-68272213-TA-T.
Other names: short protein forms L380fs.
Identifiers: ClinVar variation 5015360 (VCV005015360.1).
Genomic context (GRCh38, chr14:67,805,496, plus strand): 5'-ATGCTGAGTGAGAGTTACCTGGGTCCTGTGCAGGGTCTGGAGCAGCCTCTTGGCTGACTC[TA>T]GGCTCTGGCAGTGTGTCCAGCCCAGGAGTACAAGCAGGCAACTGAGGGGCCTGAATTCTC-3'